The following is an entry in ClinVar:

NM_015027.4(PDXDC1):c.2003-4G>A

Gene: PDXDC1 (pyridoxal dependent decarboxylase domain containing 1). Cytogenetic location: 16p13.11.
Variant type: single nucleotide variant.
Coding change: c.2003-4G>A on transcript NM_015027.4 (MANE Select); 4 bases into the intron before coding-DNA position 2003, G replaced by A.
Molecular consequence: intron variant.
Genome position (GRCh38, 1-based): chr16:15,035,445, G>A. VCF-style: chr16-15035445-G-A. GRCh37 (hg19) VCF-style: chr16-15129302-G-A.
Other names: c.1958-4G>A (NM_001285447.1); c.1730-4G>A (NM_001285448.1); c.1399+5389G>A (NM_001285449.2); c.1318+5389G>A (NM_001324021.2); c.1396+5389G>A (NM_001324020.2); c.1922-4G>A (NM_001285444.2); c.2000-4G>A (NM_001324019.2); c.1919-4G>A (NM_001285445.2).
Identifiers: ClinVar variation 3034147 (VCV003034147.2), dbSNP rs747080202, ClinGen allele CA7915571.

ClinVar aggregate classification (germline): Likely benign (0 of 4 stars; one submission).

Conditions:
PDXDC1-related disorder. Also called: PDXDC1-related condition.

Allele frequency attached by ClinVar (database versions not stated): TOPMed 0.00003; gnomAD 0.00007; gnomAD exomes 0.00011.
gnomAD v4.1: 166 of 1,588,792 alleles (0.01%); highest among the groups gnomAD compares: South Asian, 0.13%; 3 homozygotes.

Submission:

PreventionGenetics, part of Exact Sciences
Classification: Likely benign for PDXDC1-related condition. Last evaluated: 2019-06-10. Review status: no assertion criteria provided. Collection method: clinical testing. Allele origin: germline.
Comment: This variant is classified as likely benign based on ACMG/AMP sequence variant interpretation guidelines (Richards et al. 2015 PMID: 25741868, with internal and published modifications).